The following is an entry in ClinVar:

NM_000329.3(RPE65):c.1553T>G (p.Val518Gly)

Gene: RPE65 (retinoid isomerohydrolase RPE65; minus strand). Cytogenetic location: 1p31.3.
Variant type: single nucleotide variant.
Coding change: c.1553T>G on transcript NM_000329.3 (MANE Select); coding-DNA position 1553, T replaced by G.
Protein change: p.Val518Gly; replaces valine 518 with glycine.
Molecular consequence: missense variant.
Genome position (GRCh38, 1-based): chr1:68,429,825, A>C on the plus strand (T>G on the coding strand, the complement: RPE65 is on the minus strand). VCF-style: chr1-68429825-A-C. GRCh37 (hg19) VCF-style: chr1-68895508-A-C.
Other names: c.1445T>G, p.Val482Gly (NM_001406853.1); c.1277T>G, p.Val426Gly (NM_001406856.1, NM_001406857.1); short protein forms V426G, V482G, V518G.
Identifiers: ClinVar variation 3751756 (VCV003751756.2).

ClinVar aggregate classification (germline): Uncertain significance (1 of 4 stars; one submission).

Conditions:
Retinitis pigmentosa 20 (RP20). Identifiers: Orphanet 791, MedGen C3151086, MONDO:0013425, OMIM 613794.
Leber congenital amaurosis 2 (LCA2). Also called: AMAUROSIS CONGENITA OF LEBER II; Autosomal Recessive RPE65-Related Retinal Degeneration. Identifiers: Orphanet 65, MedGen C1859844, MONDO:0008765, OMIM 204100. Disease mechanism: loss of function.

Submission:

Labcorp Genetics (formerly Invitae), Labcorp
Classification: Uncertain significance for Leber congenital amaurosis 2; Retinitis pigmentosa 20. Last evaluated: 2024-06-22. Review status: criteria provided, single submitter. Criteria: Invitae Variant Classification Sherloc (09022015). Collection method: clinical testing. Allele origin: germline.
Comment: This sequence change replaces valine, which is neutral and non-polar, with glycine, which is neutral and non-polar, at codon 518 of the RPE65 protein (p.Val518Gly). This variant is not present in population databases (gnomAD no frequency). This variant has not been reported in the literature in individuals affected with RPE65-related conditions. Advanced modeling of protein sequence and biophysical properties (such as structural, functional, and spatial information, amino acid conservation, physicochemical variation, residue mobility, and thermodynamic stability) has been performed at Invitae for this missense variant, however the output from this modeling did not meet the statistical confidence thresholds required to predict the impact of this variant on RPE65 protein function. In summary, the available evidence is currently insufficient to determine the role of this variant in disease. Therefore, it has been classified as a Variant of Uncertain Significance.